The following is an entry in ClinVar:

NM_022437.3(ABCG8):c.1590G>A (p.Leu530=)

Gene: ABCG8 (ATP binding cassette subfamily G member 8; plus strand). Cytogenetic location: 2p21.
Variant type: single nucleotide variant.
Coding change: c.1590G>A on transcript NM_022437.3 (MANE Select); coding-DNA position 1590, G replaced by A.
Protein change: p.Leu530=; no amino-acid change (leucine 530 retained).
Molecular consequence: synonymous variant.
Genome position (GRCh38, 1-based): chr2:43,875,247, G>A. VCF-style: chr2-43875247-G-A. GRCh37 (hg19) VCF-style: chr2-44102386-G-A.
Other names: c.1587G>A, p.Leu529= (NM_001357321.2).
Identifiers: ClinVar variation 1775914 (VCV001775914.8), dbSNP rs1240598477, ClinGen allele CA426116373.

ClinVar aggregate classification (germline): Likely benign. Review status: criteria provided, multiple submitters, no conflicts (2 of 4 stars). 4 submissions from 4 submitters: Likely benign (3). 1 of the submissions does not count toward it. Last evaluated 2023-12-06.

Conditions:
ABCG8-related disorder. Also called: ABCG8-related condition.
Cardiovascular phenotype. Identifiers: MedGen CN230736.

Allele frequency attached by ClinVar (database versions not stated): gnomAD 0.00001; gnomAD exomes 0.00001; TOPMed 0.00001.
gnomAD v4.1: 17 of 1,614,122 alleles (0.0011%); highest among the groups gnomAD compares: African/African-American, 0.011%; 1 homozygote.

Submissions (4):

Labcorp Genetics (formerly Invitae), Labcorp
Classification: Likely benign. Last evaluated: 2023-12-06. Review status: criteria provided, single submitter. Criteria: Invitae Variant Classification Sherloc (09022015). Collection method: clinical testing. Allele origin: germline.

Blueprint Genetics
Classification: Likely benign. Last evaluated: 2023-11-01. Review status: criteria provided, single submitter. Criteria: ACMG Guidelines, 2015. Collection method: clinical testing. Allele origin: germline.

Ambry Genetics
Classification: Likely benign for Cardiovascular phenotype. Last evaluated: 2022-01-11. Review status: criteria provided, single submitter. Criteria: Ambry Variant Classification Scheme 2023. Collection method: clinical testing. Allele origin: germline.

PreventionGenetics, part of Exact Sciences
Classification: Likely benign for ABCG8-related condition. Last evaluated: 2023-03-31. Review status: no assertion criteria provided. Collection method: clinical testing. Allele origin: germline. Not counted in ClinVar's aggregate classification.
Comment: This variant is classified as likely benign based on ACMG/AMP sequence variant interpretation guidelines (Richards et al. 2015 PMID: 25741868, with internal and published modifications).